The following is an entry in ClinVar:

NM_000051.4(ATM):c.497-14T>A

Gene: ATM (ATM serine/threonine kinase; plus strand). Cytogenetic location: 11q22.3.
Variant type: single nucleotide variant.
Coding change: c.497-14T>A on transcript NM_000051.4 (MANE Select); 14 bases into the intron before coding-DNA position 497, T replaced by A.
Molecular consequence: intron variant.
Genome position (GRCh38, 1-based): chr11:108,243,939, T>A. VCF-style: chr11-108243939-T-A. GRCh37 (hg19) VCF-style: chr11-108114666-T-A.
Other names: c.497-14T>A (NM_001351834.2).
Identifiers: ClinVar variation 385951 (VCV000385951.4), dbSNP rs757147178, ClinGen allele CA6264623.

ClinVar aggregate classification (germline): Benign/Likely benign. Review status: criteria provided, multiple submitters, no conflicts (2 of 4 stars). 3 submissions from 3 submitters: Benign (1); Likely benign (2). Last evaluated 2025-02-01.

Conditions:
Hereditary cancer-predisposing syndrome. Also called: Hereditary Cancer Syndrome; Hereditary neoplastic syndrome; Neoplastic Syndromes, Hereditary; Tumor predisposition. Identifiers: Orphanet 140162, MedGen C0027672, MeSH D009386, MONDO:0015356.
Familial cancer of breast. Also called: hereditary breast carcinoma; Hereditary breast cancer; BREAST CANCER, FAMILIAL. Identifiers: Orphanet 227535, MedGen C0346153, MONDO:0016419, OMIM 114480. Disease mechanism: loss of function.

Allele frequency attached by ClinVar (database versions not stated): gnomAD exomes 0.00001; TOPMed 0.00001; ExAC 0.00004.

Submissions (3):

KCCC/NGS Laboratory, Kuwait Cancer Control Center
Classification: Benign for Familial cancer of breast. Last evaluated: 2025-02-01. Review status: criteria provided, single submitter. Criteria: ACMG Guidelines, 2015. Collection method: clinical testing. Allele origin: germline. Affected: no.

Color Diagnostics, LLC DBA Color Health
Classification: Likely benign for Hereditary cancer-predisposing syndrome. Last evaluated: 2018-11-21. Review status: criteria provided, single submitter. Criteria: ACMG Guidelines, 2015. Collection method: clinical testing. Allele origin: germline.

GeneDx
Classification: Likely benign. Last evaluated: 2017-02-22. Review status: criteria provided, single submitter. Criteria: GeneDx Variant Classification (06012015). Collection method: clinical testing. Allele origin: germline. Affected: yes.
Comment: This variant is considered likely benign or benign based on one or more of the following criteria: it is a conservative change, it occurs at a poorly conserved position in the protein, it is predicted to be benign by multiple in silico algorithms, and/or has population frequency not consistent with disease.